The following is an entry in ClinVar:

ClinVar aggregate classification (germline): Uncertain significance (1 of 4 stars; one submission).

Conditions:
Retinoblastoma (RB1). Also called: RETINOBLASTOMA, SOMATIC. Identifiers: Orphanet 790, MedGen C0035335, MeSH D012175, MONDO:0008380, OMIM 180200, HP:0009919. Disease mechanism: loss of function. Inheritance: Both sporadic and heritable forms are tested..

Submission:

Labcorp Genetics (formerly Invitae), Labcorp
Classification: Uncertain significance for Retinoblastoma. Last evaluated: 2025-11-17. Review status: criteria provided, single submitter. Criteria: Invitae Variant Classification Sherloc (09022015). Collection method: clinical testing. Allele origin: germline.
Comment: This variant occurs in a non-coding region of the RB1 gene. It does not change the encoded amino acid sequence of the RB1 protein. This variant is not present in population databases (gnomAD no frequency). This variant has not been reported in the literature in individuals affected with RB1-related conditions. Experimental studies and prediction algorithms are not available or were not evaluated, and the functional significance of this variant is currently unknown. In summary, the available evidence is currently insufficient to determine the role of this variant in disease. Therefore, it has been classified as a Variant of Uncertain Significance.

NM_000321.3(RB1):c.-119C>A

Gene: RB1 (RB transcriptional corepressor 1; plus strand). Cytogenetic location: 13q14.2.
Variant type: single nucleotide variant.
Coding change: c.-119C>A on transcript NM_000321.3 (MANE Select); 119 bases upstream of the start codon, C replaced by A.
Molecular consequence: 5 prime UTR variant.
Genome position (GRCh38, 1-based): chr13:48,303,794, C>A. VCF-style: chr13-48303794-C-A. GRCh37 (hg19) VCF-style: chr13-48877930-C-A.
Other names: c.-119C>A (NM_001407165.1, NM_001407166.1, NM_001407167.1).
Identifiers: ClinVar variation 4736942 (VCV004736942.1).